The following is an entry in ClinVar:

ClinVar aggregate classification (germline): Uncertain significance. Review status: criteria provided, multiple submitters, no conflicts (2 of 4 stars). 2 submissions from 2 submitters: Uncertain significance (2). Last evaluated 2025-06-04.

Conditions:
MLIP-related disorder. Also called: MLIP-related condition.
Inborn genetic diseases. Identifiers: MedGen C0950123, MeSH D030342.

Allele frequency attached by ClinVar (database versions not stated): gnomAD 0.00002; TOPMed 0.00002.
gnomAD v4.1: 91 of 1,577,624 alleles (0.0058%); highest among the groups gnomAD compares: Middle Eastern, 0.017%; no homozygotes.

Submissions (2):

PreventionGenetics, part of Exact Sciences
Classification: Uncertain significance for MLIP-related condition. Last evaluated: 2025-06-04. Review status: criteria provided, single submitter. Criteria: ACMG Guidelines, 2015. Collection method: clinical testing. Allele origin: germline.
Comment: The MLIP c.640G>T variant is predicted to result in the amino acid substitution p.Gly214Trp. To our knowledge, this variant has not been reported in the literature. This variant is reported in 0.010% of alleles in individuals of Latino descent in gnomAD. At this time, the clinical significance of this variant is uncertain due to the absence of conclusive functional and genetic evidence.

Ambry Genetics
Classification: Uncertain significance for Inborn genetic diseases. Last evaluated: 2023-12-16. Review status: criteria provided, single submitter. Criteria: Ambry Variant Classification Scheme 2023. Collection method: clinical testing. Allele origin: germline.

NM_001281747.2(MLIP):c.640G>T (p.Gly214Trp)

Genes: MLIP (muscular LMNA interacting protein; plus strand), LOC126859697 (CDK7 strongly-dependent group 2 enhancer GRCh37_chr6:53989184-53990383; plus strand). Cytogenetic location: 6p12.1.
Variant type: single nucleotide variant.
Coding change: c.640G>T on transcript NM_001281747.2 (MANE Select); coding-DNA position 640, G replaced by T.
Protein change: p.Gly214Trp; replaces glycine 214 with tryptophan.
Molecular consequence: missense variant.
Genome position (GRCh38, 1-based): chr6:54,124,860, G>T. VCF-style: chr6-54124860-G-T. GRCh37 (hg19) VCF-style: chr6-53989658-G-T.
Other names: c.607G>T, p.Gly203Trp (NM_001281746.2, NM_138569.3); c.640G>T (NM_001281747.1); short protein forms G214W, G203W.
Identifiers: ClinVar variation 3203019 (VCV003203019.2), dbSNP rs749849105, ClinGen allele CA3861643.